The following is an entry in ClinVar:

NM_000540.3(RYR1):c.371G>A (p.Arg124His)

Gene: RYR1 (ryanodine receptor 1; plus strand). Cytogenetic location: 19q13.2.
Variant type: single nucleotide variant.
Coding change: c.371G>A on transcript NM_000540.3 (MANE Select); coding-DNA position 371, G replaced by A.
Protein change: p.Arg124His; replaces arginine 124 with histidine.
Molecular consequence: missense variant.
Genome position (GRCh38, 1-based): chr19:38,443,743, G>A. VCF-style: chr19-38443743-G-A. GRCh37 (hg19) VCF-style: chr19-38934383-G-A.
Other names: c.371G>A, p.Arg124His (NM_001042723.2); short protein forms R124H.
Identifiers: ClinVar variation 2714399 (VCV002714399.6), dbSNP rs944493056, ClinGen allele CA308111249.
Genomic context (GRCh38, chr19:38,443,743, plus strand): 5'-GCTAGAAGGAGGCTGACCTCCCTCTACAACCCTAGTATCTGAGCTGCCTCACCACCTCCC[G>A]CTCCATGACTGACAAGCTGGCCTTCGATGTGGGACTGCAGGAGGACGCAACAGGTGCAGC-3'
Protein context (NP_000531.2, residues 114-134): RMYLSCLTTS[Arg124His]SMTDKLAFDV

ClinVar aggregate classification (germline): Uncertain significance. Review status: criteria provided, multiple submitters, no conflicts (2 of 4 stars). 4 submissions from 4 submitters: Uncertain significance (4). Last evaluated 2025-10-15.

Conditions:
Inborn genetic diseases. Identifiers: MedGen C0950123, MeSH D030342.
Malignant hyperthermia, susceptibility to, 1 (MHS1). Also called: Anesthesia related hyperthermia; Malignant hyperpyrexia; Fulminating hyperpyrexia; Pharmacogenic myopathy; Malignant hyperthermia suceptibility 1; RYR1-Related Malignant Hyperthermia Susceptibility. Identifiers: Orphanet 423, MedGen C2930980, MONDO:0007783, OMIM 145600.
RYR1-related disorder. Also called: RYR1-related condition; RYR1-related disorders. Identifiers: MedGen CN239331.

Allele frequency attached by ClinVar (database versions not stated): gnomAD exomes 0.00002.
gnomAD v4.1: 24 of 1,614,104 alleles (0.0015%); highest among the groups gnomAD compares: Middle Eastern, 0.016%; no homozygotes.

Submissions (4):

Ambry Genetics
Classification: Uncertain significance for Inborn genetic diseases. Last evaluated: 2025-10-15. Review status: criteria provided, single submitter. Criteria: Ambry Variant Classification Scheme 2023. Collection method: clinical testing. Allele origin: germline.

Color Diagnostics, LLC DBA Color Health
Classification: Uncertain significance for Malignant hyperthermia, susceptibility to, 1. Last evaluated: 2025-06-30. Review status: criteria provided, single submitter. Criteria: ACMG Guidelines, 2015. Collection method: clinical testing. Allele origin: germline.
Comment: This missense variant replaces arginine with histidine at codon 124 of the RYR1 protein. Computational prediction suggests that this variant may have deleterious impact on protein structure and function. To our knowledge, functional studies have not been reported for this variant. This variant has not been reported in individuals affected with RYR1-related disorders in the literature. This variant has not been identified in the general population by the Genome Aggregation Database (gnomAD). The available evidence is insufficient to determine the role of this variant in disease conclusively. Therefore, this variant is classified as a Variant of Uncertain Significance.

All of Us Research Program, National Institutes of Health
Classification: Uncertain significance for Malignant hyperthermia, susceptibility to, 1. Last evaluated: 2023-07-19. Review status: criteria provided, single submitter. Criteria: ACMG Guidelines, 2015. Collection method: clinical testing. Allele origin: germline. Inheritance: Autosomal dominant inheritance. Observed: 1 variant allele, 1 heterozygote.
Comment: This missense variant replaces arginine with histidine at codon 124 of the RYR1 protein. Computational prediction suggests that this variant may have deleterious impact on protein structure and function (internally defined REVEL score threshold >= 0.7, PMID: 27666373). To our knowledge, functional studies have not been reported for this variant. This variant has not been reported in individuals affected with RYR1-related disorders in the literature. This variant has not been identified in the general population by the Genome Aggregation Database (gnomAD). The available evidence is insufficient to determine the role of this variant in disease conclusively. Therefore, this variant is classified as a Variant of Uncertain Significance.

This study involves interpretation of variants in research participants for the purpose of population health screening. Participant phenotype was not available at the time of variant classification. Additional details can be found in publication PMID: 35346344, PMCID: PMC8962531

Labcorp Genetics (formerly Invitae), Labcorp
Classification: Uncertain significance for RYR1-related disorder. Last evaluated: 2023-06-20. Review status: criteria provided, single submitter. Criteria: Invitae Variant Classification Sherloc (09022015). Collection method: clinical testing. Allele origin: germline.
Comment: This variant is not present in population databases (gnomAD no frequency). In summary, the available evidence is currently insufficient to determine the role of this variant in disease. Therefore, it has been classified as a Variant of Uncertain Significance. Advanced modeling of protein sequence and biophysical properties (such as structural, functional, and spatial information, amino acid conservation, physicochemical variation, residue mobility, and thermodynamic stability) has been performed at Invitae for this missense variant, however the output from this modeling did not meet the statistical confidence thresholds required to predict the impact of this variant on RYR1 protein function. This variant has not been reported in the literature in individuals affected with RYR1-related conditions. This sequence change replaces arginine, which is basic and polar, with histidine, which is basic and polar, at codon 124 of the RYR1 protein (p.Arg124His).